The following continues an entry in ClinVar:

NM_006912.6(RIT1):c.242A>G (p.Glu81Gly)

Gene: RIT1. ClinVar aggregate classification (germline): Pathogenic/Likely pathogenic. Pathogenic (14); Likely pathogenic (2).

Submissions 11 to 18 of 18:

3billion
Classification: Pathogenic for Noonan syndrome 8. Last evaluated: 2022-01-03. Review status: criteria provided, single submitter. Criteria: ACMG Guidelines, 2015. Collection method: clinical testing. Allele origin: germline. Affected: yes. Observed: 1 heterozygote.
Comment: Same nucleotide change resulting in same amino acid change has been previously reported as pathogenic/likely pathogenic with strong evidence (ClinVar ID: VCV000183405, PS1_S). The variant is located in a well-established functional domain or exonic hotspot, where pathogenic variants have frequently reported (PM1_M). A different missense change at the same codon has been reported to be associated with RIT1 related disorder (ClinVar ID: VCV000183404, PM5_P). In silico tool predictions suggest damaging effect of the variant on gene or gene product (REVEL: 0.902, 3CNET: 0.991, PP3_P). A missense variant is a common mechanism associated with Noonan syndrome 8 (PP2_P). It is not observed in the gnomAD v2.1.1 dataset (PM2_M). Therefore, this variant is classified as pathogenic according to the recommendation of ACMG/AMP guideline.

Revvity Omics, Revvity
Classification: Likely pathogenic for Noonan syndrome 8. Last evaluated: 2020-10-31. Review status: criteria provided, single submitter. Criteria: ACMG Guidelines, 2015. Collection method: clinical testing. Allele origin: germline.

Genome Diagnostics Laboratory, The Hospital for Sick Children
Classification: Pathogenic for Noonan syndrome and Noonan-related syndrome. Last evaluated: 2020-05-01. Review status: criteria provided, single submitter. Criteria: ACMG Guidelines, 2015. Collection method: clinical testing. Allele origin: germline. Affected: yes.

Fulgent Genetics
Classification: Pathogenic for Noonan syndrome 8. Last evaluated: 2018-10-31. Review status: criteria provided, single submitter. Criteria: ACMG Guidelines, 2015. Collection method: clinical testing. Allele origin: unknown.

Ambry Genetics
Classification: Pathogenic for Inborn genetic diseases. Last evaluated: 2018-02-19. Review status: criteria provided, single submitter. Criteria: Ambry exome assertion method (8-5-2015). Collection method: clinical testing. Allele origin: germline. Affected: yes. Observed: 1 variant allele.

Laboratory for Molecular Medicine, Mass General Brigham Personalized Medicine
Classification: Pathogenic for Noonan syndrome. Last evaluated: 2016-09-12. Review status: criteria provided, single submitter. Criteria: LMM Criteria. Collection method: clinical testing. Allele origin: germline. Inheritance: Autosomal dominant inheritance. Observed: 1 variant allele.
Comment: The p.Glu98Gly (also reported as p.Glu81Gly) variant in RIT1 has been identified in 4 individuals with clinical features of Noonan Syndrome, one of which was de novo, and segregated with disease in 3 affected relatives (Aoki 2013 and Cave 2 016, Cave personal communication). This variant was absent from large population studies. In vitro functional studies provide some evidence that this variant ma y impact protein function (Aoki 2013). In addition, an animal model in zebrafish has shown that this variant causes developmental defects similar to those seen in zebrafish with gain-of-function NRAS variants (Aoki 2013). Computational pred iction tools and conservation analysis suggest that the p.Glu98Gly variant may i mpact the protein, though this information is not predictive enough to determine pathogenicity. In summary, the p.Glu98Gly variant is pathogenic.

OMIM
Classification: Pathogenic for NOONAN SYNDROME 8. Last evaluated: 2013-07-11. Review status: no assertion criteria provided. Collection method: literature only. Allele origin: germline. Not counted in ClinVar's aggregate classification.

Service de Génétique Moléculaire, Hôpital Robert Debré
Classification: Pathogenic for Noonan's syndrome. Review status: no assertion criteria provided. Criteria: clinical testing. Collection method: clinical testing. Allele origin: maternal, unknown. Affected: yes. Observed: 2 variant alleles. Not counted in ClinVar's aggregate classification.

Literature cited by the submitters: PubMed 23791108 (cited by 6 submitters); PubMed 26757980 (cited by 5 submitters); PubMed 28347726 (cited by Women's Health and Genetics/Laboratory Corporation of America, LabCorp and Mayo Clinic Laboratories, Mayo Clinic); PubMed 33794220 (cited by Women's Health and Genetics/Laboratory Corporation of America, LabCorp); PubMed 24803665 (cited by Mayo Clinic Laboratories, Mayo Clinic and Laboratory for Molecular Medicine, Mass General Brigham Personalized Medicine); PubMed 32766847 (cited by Mayo Clinic Laboratories, Mayo Clinic); PubMed 33128510 (cited by Mayo Clinic Laboratories, Mayo Clinic); PubMed 26446362 (cited by Ambry Genetics); PubMed 26714497 (cited by Ambry Genetics); PubMed 24469055 (cited by Ambry Genetics).